The following is an entry in ClinVar:

NM_020247.5(COQ8A):c.1616C>T (p.Ala539Val)

Gene: COQ8A (coenzyme Q8A; plus strand). Cytogenetic location: 1q42.13.
Variant type: single nucleotide variant.
Coding change: c.1616C>T on transcript NM_020247.5 (MANE Select); coding-DNA position 1616, C replaced by T.
Protein change: p.Ala539Val; replaces alanine 539 with valine.
Molecular consequence: missense variant.
Genome position (GRCh38, 1-based): chr1:226,985,297, C>T. VCF-style: chr1-226985297-C-T. GRCh37 (hg19) VCF-style: chr1-227172998-C-T.
Other names: short protein forms A539V.
Identifiers: ClinVar variation 2040677 (VCV002040677.4), dbSNP rs1254102582, ClinGen allele CA345056076.
Genomic context (GRCh38, chr1:226,985,297, plus strand): 5'-CCTGTGCCTCTCCCCAGATCATCAGGGCTGCTGCCGACAGGGACAGGGAGACTGTGCGGG[C>T]GAAATCCATAGAGATGAAGTTCCTCACCGGCTACGAGGTCAAGGTGAGCAGGGTTGCGGG-3'
Protein context (NP_064632.2, residues 529-549): AADRDRETVR[Ala539Val]KSIEMKFLTG

ClinVar aggregate classification (germline): Uncertain significance (1 of 4 stars; one submission).

Allele frequency attached by ClinVar (database versions not stated): TOPMed below 0.00001; gnomAD exomes 0.00001.
gnomAD v4.1: 11 of 1,613,744 alleles (0.00068%); highest among the groups gnomAD compares: East Asian, 0.0022%; no homozygotes.

Submission:

Labcorp Genetics (formerly Invitae), Labcorp
Classification: Uncertain significance. Last evaluated: 2022-02-06. Review status: criteria provided, single submitter. Criteria: Invitae Variant Classification Sherloc (09022015). Collection method: clinical testing. Allele origin: germline.
Comment: In summary, the available evidence is currently insufficient to determine the role of this variant in disease. Therefore, it has been classified as a Variant of Uncertain Significance. Algorithms developed to predict the effect of sequence changes on RNA splicing suggest that this variant may create or strengthen a splice site. Advanced modeling of protein sequence and biophysical properties (such as structural, functional, and spatial information, amino acid conservation, physicochemical variation, residue mobility, and thermodynamic stability) performed at Invitae indicates that this missense variant is not expected to disrupt COQ8A protein function. This variant has not been reported in the literature in individuals affected with COQ8A-related conditions. This variant is not present in population databases (gnomAD no frequency). This sequence change replaces alanine, which is neutral and non-polar, with valine, which is neutral and non-polar, at codon 539 of the COQ8A protein (p.Ala539Val).